The following is an entry in ClinVar:

NM_001943.5(DSG2):c.3295A>G (p.Thr1099Ala)

Genes: DSG2 (desmoglein 2; plus strand), DSG2-AS1 (DSG2 antisense RNA 1; minus strand). Cytogenetic location: 18q12.1.
Variant type: single nucleotide variant.
Coding change: c.3295A>G on transcript NM_001943.5 (MANE Select); coding-DNA position 3295, A replaced by G.
Protein change: p.Thr1099Ala; replaces threonine 1099 with alanine.
Molecular consequence: missense variant.
Genome position (GRCh38, 1-based): chr18:31,546,681, A>G. VCF-style: chr18-31546681-A-G. GRCh37 (hg19) VCF-style: chr18-29126644-A-G.
Other names: short protein forms T1099A.
Identifiers: ClinVar variation 44314 (VCV000044314.54), dbSNP rs79068489, ClinGen allele CA022065.

ClinVar aggregate classification (germline): Conflicting classifications of pathogenicity. Review status: criteria provided, conflicting classifications (1 of 4 stars). 17 submissions from 17 submitters: Uncertain significance (1); Benign (3); Likely benign (12). 1 of the submissions does not count toward it. Last evaluated 2026-01-26.

Conditions:
DSG2-related disorder. Also called: DSG2-related condition.
Cardiovascular phenotype. Identifiers: MedGen CN230736.
Dilated cardiomyopathy 1BB (CMD1BB). Also called: CARDIOMYOPATHY, DILATED, 1BB, SUSCEPTIBILITY TO. Identifiers: Orphanet 154, MedGen C2752072, MONDO:0013030, OMIM 612877.
Arrhythmogenic right ventricular dysplasia 10. Also called: Arrhythmogenic Right Ventricular Dysplasia/Cardiomyopathy10; Arrhythmogenic right ventricular dysplasia/cardiomyopathy, type 10; ARRHYTHMOGENIC RIGHT VENTRICULAR DYSPLASIA, FAMILIAL, 10. Identifiers: MedGen C1857777, MONDO:0012434, OMIM 610193.
Cardiomyopathy (CMYO). Also called: Cardiomyopathies. Identifiers: Orphanet 167848, MedGen C0878544, MONDO:0004994, HP:0001638. Inheritance: Various modes of inheritance.
Arrhythmogenic right ventricular cardiomyopathy (ARVD). Also called: Arrhythmogenic right ventricular dysplasia; Cardiomyopathy, ARVC; Arrhythmogenic cardiomyopathy; Arrhythmogenic Right Ventricular Cardiomyopathy (ARVC). Identifiers: Orphanet 247, MedGen C0349788, MeSH D019571, MONDO:0016587. Disease mechanism: loss of function. Inheritance: Various modes of inheritance.

Allele frequency attached by ClinVar (database versions not stated): gnomAD exomes 0.00017 and 0.00030; ExAC 0.00041; TOPMed 0.00125; ESP Exome Variant Server 0.00129; gnomAD 0.00131 and 0.00137; 1000 Genomes Project 0.00140; 1000 Genomes Project 30x 0.00156.
gnomAD v4.1: 458 of 1,614,146 alleles (0.028%); highest among the groups gnomAD compares: African/African-American, 0.46%; 1 homozygote.

Submissions (17):

Labcorp Genetics (formerly Invitae), Labcorp
Classification: Benign for Arrhythmogenic right ventricular dysplasia 10. Last evaluated: 2026-01-26. Review status: criteria provided, single submitter. Criteria: Invitae Variant Classification Sherloc (09022015). Collection method: clinical testing. Allele origin: germline.

Mayo Clinic Laboratories, Mayo Clinic
Classification: Likely benign. Last evaluated: 2025-10-31. Review status: criteria provided, single submitter. Criteria: ACMG Guidelines, 2015. Collection method: clinical testing. Allele origin: germline. Observed: 2 variant alleles.
Comment: BS1, BP4_moderate

All of Us Research Program, National Institutes of Health
Classification: Likely benign for Arrhythmogenic right ventricular cardiomyopathy. Last evaluated: 2024-09-23. Review status: criteria provided, single submitter. Criteria: ACMG Guidelines, 2015. Collection method: clinical testing. Allele origin: germline. Inheritance: Autosomal dominant inheritance. Observed: 98 variant alleles, 98 heterozygotes.
Comment: This study involves interpretation of variants in research participants for the purpose of population health screening. Participant phenotype was not available at the time of variant classification. Additional details can be found in publication PMID: 35346344, PMCID: PMC8962531

Blueprint Genetics
Classification: Likely benign. Last evaluated: 2024-09-03. Review status: criteria provided, single submitter. Criteria: ACMG Guidelines, 2015. Collection method: clinical testing. Allele origin: germline.

CeGaT Center for Human Genetics Tuebingen
Classification: Likely benign. Last evaluated: 2024-08-01. Review status: criteria provided, single submitter. Criteria: CeGaT Center For Human Genetics Tuebingen Variant Classification Criteria Version 2. Collection method: clinical testing. Allele origin: germline. Affected: yes. Observed: 1 variant allele.
Comment: DSG2: BP4

Fulgent Genetics
Classification: Likely benign for Arrhythmogenic right ventricular dysplasia 10; Dilated cardiomyopathy 1BB. Last evaluated: 2021-10-26. Review status: criteria provided, single submitter. Criteria: ACMG Guidelines, 2015. Collection method: clinical testing. Allele origin: unknown.

GeneDx
Classification: Likely benign. Last evaluated: 2021-01-12. Review status: criteria provided, single submitter. Criteria: GeneDx Variant Classification Process June 2021. Collection method: clinical testing. Allele origin: germline. Affected: yes.
Comment: This variant is associated with the following publications: (PMID: 21636032, 21859740)

Women's Health and Genetics/Laboratory Corporation of America, LabCorp
Classification: Benign. Last evaluated: 2020-09-08. Review status: criteria provided, single submitter. Criteria: LabCorp Variant Classification Summary - May 2015. Collection method: clinical testing. Allele origin: germline.
Comment: Variant summary: DSG2 c.3295A>G (p.Thr1099Ala) results in a non-conservative amino acid change in the encoded protein sequence. Four of five in-silico tools predict a benign effect of the variant on protein function. The variant allele was found at a frequency of 0.00039 in 281622 control chromosomes, predominantly at a frequency of 0.0041 within the African or African-American subpopulation in the gnomAD database. The observed variant frequency within African or African-American control individuals in the gnomAD database is approximately 410 fold of the estimated maximal expected allele frequency for a pathogenic variant in DSG2 causing Arrhythmia phenotype (1e-05), strongly suggesting that the variant is a benign polymorphism found primarily in populations of African or African-American origin. c.3295A>G has been reported in the literature in one individual affected with DCM (Garcia-Pavia_2011). The data does not allow any conclusion about variant significance. To our knowledge, no experimental evidence demonstrating an impact on protein function has been reported. Five ClinVar submitters (evaluation after 2014) cite the variant as benign (1x) and likely benign (4x). Based on the evidence outlined above, the variant was classified as benign.

CHEO Genetics Diagnostic Laboratory, Children's Hospital of Eastern Ontario
Classification: Benign for Cardiomyopathy. Last evaluated: 2020-06-22. Review status: criteria provided, single submitter. Criteria: ACMG Guidelines, 2015. Collection method: clinical testing. Allele origin: germline.

Color Diagnostics, LLC DBA Color Health
Classification: Likely benign for Cardiomyopathy. Last evaluated: 2018-10-20. Review status: criteria provided, single submitter. Criteria: ACMG Guidelines, 2015. Collection method: clinical testing. Allele origin: germline.

Ambry Genetics
Classification: Likely benign for Cardiovascular phenotype. Last evaluated: 2018-09-27. Review status: criteria provided, single submitter. Criteria: Ambry Variant Classification Scheme 2023. Collection method: clinical testing. Allele origin: germline.

Illumina Laboratory Services, Illumina
Classification: Likely benign for Arrhythmogenic right ventricular dysplasia 10. Last evaluated: 2018-01-13. Review status: criteria provided, single submitter. Criteria: ICSL Variant Classification Criteria 13 December 2019. Collection method: clinical testing. Allele origin: germline.
Comment: This variant was observed in the ICSL laboratory as part of a predisposition screen in an ostensibly healthy population. It had not been previously curated by ICSL or reported in the Human Gene Mutation Database (HGMD: prior to June 1st, 2018), and was therefore a candidate for classification through an automated scoring system. Utilizing variant allele frequency, disease prevalence and penetrance estimates, and inheritance mode, an automated score was calculated to assess if this variant is too frequent to cause the disease. Based on the score and internal cut-off values, a variant classified as likely benign is not then subjected to further curation. The score for this variant resulted in a classification of likely benign for this disease.

Laboratory for Molecular Medicine, Mass General Brigham Personalized Medicine
Classification: Likely benign. Last evaluated: 2012-05-24. Review status: criteria provided, single submitter. Criteria: LMM Criteria. Collection method: clinical testing. Allele origin: germline. Observed: 2 variant alleles.
Comment: Thr1099Ala in exon 15 of DSG2: This variant is not expected to have clinical sig nificance because it has been identified in 0.5% (15/3328) of African American c hromosomes from a broad population by the NHLBI Exome Sequencing Project (dbSNP rs79068489). Thr1099Ala in exon 15 of DSG2 (r s79068489; allele frequency = 0.5%, 15/3328) **

Breakthrough Genomics
Classification: Likely benign. Review status: criteria provided, single submitter. Criteria: ACMG Guidelines, 2015. Collection method: not provided. Allele origin: germline. Inheritance: Autosomal recessive inheritance. Affected: yes.

Center for Genomics, Ann and Robert H. Lurie Children's Hospital of Chicago
Classification: Uncertain significance for Dilated cardiomyopathy 1BB; Arrhythmogenic right ventricular dysplasia 10. Review status: criteria provided, single submitter. Criteria: ACMG Guidelines, 2015. Collection method: clinical testing. Allele origin: germline.
Comment: DSG2 NM_001943.4 exon 15 p.Thr1099Ala (c.3295A>G): This variant has not been reported in the literature and is present in 0.4% (98/24186) of African alleles in the Genome Aggregation Database. This variant is also present in ClinVar, with several labs classifying this variant as benign or likely benign (Variation ID:44314). This variant amino acid Alanine (Ala) is present in several species including multiple mammals, and it is not well conserved among evolutionarily distant species; this suggests that this variant may not impact the protein. Additional computational prediction tools do not suggest an impact. In summary, data on this variant suggests that this variant does not cause disease, but requires further evidence. Therefore this variant is classified as likely benign.

Molecular Diagnostic Laboratory for Inherited Cardiovascular Disease, Montreal Heart Institute
Classification: Likely benign. Review status: criteria provided, single submitter. Criteria: ACMG Guidelines, 2015. Collection method: clinical testing. Allele origin: germline. Affected: yes.

PreventionGenetics, part of Exact Sciences
Classification: Likely benign for DSG2-related condition. Last evaluated: 2020-01-30. Review status: no assertion criteria provided. Collection method: clinical testing. Allele origin: germline. Not counted in ClinVar's aggregate classification.
Comment: This variant is classified as likely benign based on ACMG/AMP sequence variant interpretation guidelines (Richards et al. 2015 PMID: 25741868, with internal and published modifications).

Literature cited by the submitters: PubMed 21636032 (cited by Women's Health and Genetics/Laboratory Corporation of America, LabCorp); PubMed 21859740 (cited by Women's Health and Genetics/Laboratory Corporation of America, LabCorp); PubMed 29802319 (cited by Women's Health and Genetics/Laboratory Corporation of America, LabCorp).